The following is an entry in ClinVar:

ClinVar aggregate classification (germline): Uncertain significance (1 of 4 stars; one submission).

Allele frequency attached by ClinVar (database versions not stated): gnomAD exomes 0.00001.
gnomAD v4.1: 17 of 1,614,210 alleles (0.0011%); highest among the groups gnomAD compares: Non-Finnish European, 0.0013%; no homozygotes.

Submission:

Labcorp Genetics (formerly Invitae), Labcorp
Classification: Uncertain significance. Last evaluated: 2021-12-29. Review status: criteria provided, single submitter. Criteria: Invitae Variant Classification Sherloc (09022015). Collection method: clinical testing. Allele origin: germline.
Comment: This sequence change falls in intron 34 of the ELP1 gene. It does not directly change the encoded amino acid sequence of the ELP1 protein. It affects a nucleotide within the consensus splice site. This variant is not present in population databases (gnomAD no frequency). This variant has not been reported in the literature in individuals affected with ELP1-related conditions. Variants that disrupt the consensus splice site are a relatively common cause of aberrant splicing (PMID: 17576681, 9536098). Algorithms developed to predict the effect of sequence changes on RNA splicing suggest that this variant may disrupt the consensus splice site. In summary, the available evidence is currently insufficient to determine the role of this variant in disease. Therefore, it has been classified as a Variant of Uncertain Significance.

Literature cited by the submitters: PubMed 17576681; PubMed 9536098.

NM_003640.5(ELP1):c.3700+3A>G

Gene: ELP1 (elongator acetyltransferase complex subunit 1; minus strand). Cytogenetic location: 9q31.3.
Variant type: single nucleotide variant.
Coding change: c.3700+3A>G on transcript NM_003640.5 (MANE Select); 3 bases into the intron after coding-DNA position 3700, A replaced by G.
Molecular consequence: intron variant.
Genome position (GRCh38, 1-based): chr9:108,878,620, T>C on the plus strand (A>G on the coding strand, the complement: ELP1 is on the minus strand). VCF-style: chr9-108878620-T-C. GRCh37 (hg19) VCF-style: chr9-111640900-T-C.
Other names: c.3358+3A>G (NM_001318360.2); c.2653+3A>G (NM_001330749.2).
Identifiers: ClinVar variation 2173508 (VCV002173508.1), dbSNP rs2118935772, ClinGen allele CA2579411233.
Genomic context (GRCh38, chr9:108,878,620, plus strand): 5'-TGTCTGTACTGCCTATTCACTATTGTTTGTGGTCAGGAATCATCATCAGGACTGAGAATA[T>C]ACCTTTCAGGTTTTCAGTGTTCTGCACCACTTCACTCAGTGCCTCCAGGAGGGCCAGGTC-3'